The following is an entry in ClinVar:

NM_024422.6(DSC2):c.1609G>T (p.Ala537Ser)

Gene: DSC2 (desmocollin 2; minus strand). Cytogenetic location: 18q12.1.
Variant type: single nucleotide variant.
Coding change: c.1609G>T on transcript NM_024422.6 (MANE Select); coding-DNA position 1609, G replaced by T.
Protein change: p.Ala537Ser; replaces alanine 537 with serine.
Molecular consequence: missense variant.
Genome position (GRCh38, 1-based): chr18:31,079,901, C>A on the plus strand (G>T on the coding strand, the complement: DSC2 is on the minus strand). VCF-style: chr18-31079901-C-A. GRCh37 (hg19) VCF-style: chr18-28659867-C-A.
Other names: c.1180G>T, p.Ala394Ser (NM_001406506.1, NM_001406507.1); c.1609G>T, p.Ala537Ser (NM_004949.5); short protein forms A537S, A394S.
Identifiers: ClinVar variation 3719979 (VCV003719979.2).
Genomic context (GRCh38, chr18:31,079,901, plus strand): 5'-TCTTACCTTGGTCTGATGCAAGGACTGTAATATTATATATGCCATTTTTGATGGTCTCTG[C>A]CTCTCTATCCAGGCTTCTGAAAACTTTGATTGATCCTGTATTTTCATCAATGGTGACCCA-3'
Protein context (NP_077740.1, residues 527-547): IKVFRSLDRE[Ala537Ser]ETIKNGIYNI

ClinVar aggregate classification (germline): Uncertain significance (1 of 4 stars; one submission).

Conditions:
Arrhythmogenic right ventricular dysplasia 11. Also called: ARRHYTHMOGENIC RIGHT VENTRICULAR DYSPLASIA, FAMILIAL, 11; Arrhythmogenic Right Ventricular Dysplasia/Cardiomyopathy11; Arrhythmogenic right ventricular dysplasia 11 with mild palmoplantar keratoderma and woolly hair. Identifiers: MedGen C1864850, MONDO:0012506, OMIM 610476.

Submission:

Labcorp Genetics (formerly Invitae), Labcorp
Classification: Uncertain significance for Arrhythmogenic right ventricular dysplasia 11. Last evaluated: 2025-12-14. Review status: criteria provided, single submitter. Criteria: Invitae Variant Classification Sherloc (09022015). Collection method: clinical testing. Allele origin: germline.
Comment: This sequence change replaces alanine, which is neutral and non-polar, with serine, which is neutral and polar, at codon 537 of the DSC2 protein (p.Ala537Ser). This variant is present in population databases (no rsID available, gnomAD 0.003%). This variant has not been reported in the literature in individuals affected with DSC2-related conditions. ClinVar contains an entry for this variant (Variation ID: 3719979). Invitae Evidence Modeling of protein sequence and biophysical properties (such as structural, functional, and spatial information, amino acid conservation, physicochemical variation, residue mobility, and thermodynamic stability) indicates that this missense variant is not expected to disrupt DSC2 protein function with a negative predictive value of 80%. In summary, the available evidence is currently insufficient to determine the role of this variant in disease. Therefore, it has been classified as a Variant of Uncertain Significance.